The following is an entry in ClinVar:

ClinVar aggregate classification (germline): Benign/Likely benign. Review status: criteria provided, multiple submitters, no conflicts (2 of 4 stars). 15 submissions from 12 submitters: Benign (5); Likely benign (8). 2 of the submissions do not count toward it. Last evaluated 2026-01-27.

Conditions:
Cardiovascular phenotype. Identifiers: MedGen CN230736.
Autosomal recessive limb-girdle muscular dystrophy type 2J (LGMDR10). Also called: MUSCULAR DYSTROPHY, LIMB-GIRDLE, AUTOSOMAL RECESSIVE 10; Limb-girdle muscular dystrophy, type 2J. Identifiers: Orphanet 140922, MedGen C1837342, MONDO:0012127, OMIM 608807.
Dilated cardiomyopathy 1G (CMD1G). Identifiers: Orphanet 154, MedGen C1858763, MONDO:0011400, OMIM 604145.
TTN-related disorder. Also called: TTN-related condition; TTN-related disease; TTN-related disorders.
Myopathy, myofibrillar, 9, with early respiratory failure (MFM9). Also called: Myopathy, distal, with early respiratory failure, autosomal dominant; EDSTROM MYOPATHY; MYOPATHY, PROXIMAL, WITH EARLY RESPIRATORY MUSCLE INVOLVEMENT; Hereditary myopathy with early respiratory failure. Identifiers: Orphanet 178464, Orphanet 34521, MedGen C1863599, MONDO:0011362, OMIM 603689.
Early-onset myopathy with fatal cardiomyopathy (CMYO5). Also called: CONGENITAL MYOPATHY 5 WITH CARDIOMYOPATHY; Salih Myopathy. Identifiers: Orphanet 289377, MedGen C2673677, MONDO:0012714, OMIM 611705. Disease mechanism: loss of function.
Tibial muscular dystrophy (TMD). Also called: Tibial muscular dystrophy, tardive; UDD MYOPATHY; Udd Distal Myopathy – Tibial Muscular Dystrophy. Identifiers: Orphanet 609, MedGen C1838244, MONDO:0010870, OMIM 600334.

Allele frequency attached by ClinVar (database versions not stated): gnomAD exomes 0.00005 and 0.00010; ExAC 0.00012; 1000 Genomes Project 30x 0.00016; 1000 Genomes Project 0.00020; TOPMed 0.00025; gnomAD 0.00029 and 0.00031; ESP Exome Variant Server 0.00042.
gnomAD v4.1: 116 of 1,601,568 alleles (0.0072%); highest among the groups gnomAD compares: African/African-American, 0.14%; no homozygotes.

Submissions (15):

Labcorp Genetics (formerly Invitae), Labcorp
Classification: Likely benign for Dilated cardiomyopathy 1G; Autosomal recessive limb-girdle muscular dystrophy type 2J. Last evaluated: 2026-01-27. Review status: criteria provided, single submitter. Criteria: Invitae Variant Classification Sherloc (09022015). Collection method: clinical testing. Allele origin: germline.

PreventionGenetics, part of Exact Sciences
Classification: Likely benign for TTN-related condition. Last evaluated: 2025-08-25. Review status: criteria provided, single submitter. Criteria: ACMG Guidelines, 2015. Collection method: clinical testing. Allele origin: germline.
Comment: This variant is classified as likely benign based on ACMG/AMP sequence variant interpretation guidelines (Richards et al. 2015 PMID: 25741868, with internal and published modifications).

Molecular Diagnostic Laboratory for Inherited Cardiovascular Disease, Montreal Heart Institute
Classification: Likely benign. Last evaluated: 2025-04-09. Review status: criteria provided, single submitter. Criteria: ACMG Guidelines, 2015. Collection method: clinical testing. Allele origin: germline. Affected: no.

Mayo Clinic Laboratories, Mayo Clinic
Classification: Likely benign. Last evaluated: 2025-02-03. Review status: criteria provided, single submitter. Criteria: ACMG Guidelines, 2015. Collection method: clinical testing. Allele origin: germline. Observed: 1 variant allele.
Comment: BP4, BP7

Women's Health and Genetics/Laboratory Corporation of America, LabCorp
Classification: Likely benign. Last evaluated: 2024-02-19. Review status: criteria provided, single submitter. Criteria: LabCorp Variant Classification Summary - May 2015. Collection method: clinical testing. Allele origin: germline.

Blueprint Genetics
Classification: Likely benign. Last evaluated: 2023-03-27. Review status: criteria provided, single submitter. Criteria: ACMG Guidelines, 2015. Collection method: clinical testing. Allele origin: germline.

Genome-Nilou Lab
Classification: Benign for Autosomal recessive limb-girdle muscular dystrophy type 2J. Last evaluated: 2021-09-10. Review status: criteria provided, single submitter. Criteria: ACMG Guidelines, 2015. Collection method: clinical testing. Allele origin: germline. Affected: no.

Genome-Nilou Lab
Classification: Benign for Myopathy, myofibrillar, 9, with early respiratory failure. Last evaluated: 2021-09-10. Review status: criteria provided, single submitter. Criteria: ACMG Guidelines, 2015. Collection method: clinical testing. Allele origin: germline. Affected: no.

Genome-Nilou Lab
Classification: Benign for Early-onset myopathy with fatal cardiomyopathy. Last evaluated: 2021-09-10. Review status: criteria provided, single submitter. Criteria: ACMG Guidelines, 2015. Collection method: clinical testing. Allele origin: germline. Affected: no.

Genome-Nilou Lab
Classification: Benign for Tibial muscular dystrophy. Last evaluated: 2021-09-10. Review status: criteria provided, single submitter. Criteria: ACMG Guidelines, 2015. Collection method: clinical testing. Allele origin: germline. Affected: no.

GeneDx
Classification: Likely benign. Last evaluated: 2020-08-14. Review status: criteria provided, single submitter. Criteria: GeneDx Variant Classification Process June 2021. Collection method: clinical testing. Allele origin: germline. Affected: yes.

Eurofins Ntd Llc (ga)
Classification: Likely benign. Last evaluated: 2016-03-02. Review status: criteria provided, single submitter. Criteria: EGL Classification Definitions 2015. Collection method: clinical testing. Allele origin: germline. Observed: 1 variant allele, 1 heterozygote.

Ambry Genetics
Classification: Benign for Cardiovascular phenotype. Last evaluated: 2013-01-22. Review status: criteria provided, single submitter. Criteria: Ambry Autosomal Dominant and X-Linked criteria (10/2015). Collection method: clinical testing. Allele origin: germline. Observed: 1 variant allele.

Clinical Genetics DNA and cytogenetics Diagnostics Lab, Erasmus MC, Erasmus Medical Center
Classification: Likely benign. Review status: no assertion criteria provided. Collection method: clinical testing. Allele origin: germline. Affected: yes. Study: VKGL Data-share Consensus. Not counted in ClinVar's aggregate classification.

Clinical Genetics, Academic Medical Center
Classification: Benign. Review status: no assertion criteria provided. Collection method: clinical testing. Allele origin: germline. Affected: yes. Study: VKGL Data-share Consensus. Not counted in ClinVar's aggregate classification.

NM_001267550.2(TTN):c.14898T>C (p.Ala4966=)

Gene: TTN (titin; minus strand). Cytogenetic location: 2q31.2.
Variant type: single nucleotide variant.
Coding change: c.14898T>C on transcript NM_001267550.2 (MANE Select); coding-DNA position 14898, T replaced by C.
Protein change: p.Ala4966=; no amino-acid change (alanine 4966 retained).
Molecular consequence: synonymous variant. On other transcripts: intron variant (3).
Genome position (GRCh38, 1-based): chr2:178,735,548, A>G on the plus strand (T>C on the coding strand, the complement: TTN is on the minus strand). VCF-style: chr2-178735548-A-G. GRCh37 (hg19) VCF-style: chr2-179600275-A-G.
Other names: p.Ala3722=; c.13947T>C, p.Ala4649= (NM_001256850.1); c.11166T>C, p.Ala3722= (NM_133378.4); c.13282+2534T>C (NM_003319.4); c.13858+2534T>C (NM_133437.4); c.13657+2534T>C (NM_133432.3).
Identifiers: ClinVar variation 263490 (VCV000263490.31), dbSNP rs370105333, ClinGen allele CA2002329.
Genomic context (GRCh38, chr2:178,735,548, plus strand): 5'-AAATACATTCACACGTTTCTTACCTCTGACAGTGACTGTGGCTGAGCAGGAGCTGCTTCC[A>G]GCCTCATTTGAAGCTGTACAGACATAGGTTCCTGAATCTTTCAGTTTGGCCAAAGGAATC-3'
Protein context (NP_001254479.2, residues 4956-4976): GTYVCTASNE[Ala4966=]GSSSCSATVT